The following is an entry in ClinVar:

ClinVar aggregate classification (germline): Uncertain significance. Review status: criteria provided, multiple submitters, no conflicts (2 of 4 stars). 3 submissions from 3 submitters: Uncertain significance (3). Last evaluated 2024-08-01.

Conditions:
Inborn genetic diseases. Identifiers: MedGen C0950123, MeSH D030342.
Dyskinesia with orofacial involvement, autosomal dominant (DSKOD). Also called: Familial dyskinesia and facial myokymia; Dyskinesia, familial, with facial myokymia; Familial Dyskinesia with Facial Myokymia (FDFM). Identifiers: Orphanet 324588, MedGen C1847627, MONDO:0800028, OMIM 606703.

Allele frequency attached by ClinVar (database versions not stated): gnomAD 0.00001 and 0.00006; gnomAD exomes 0.00002; 1000 Genomes Project 30x 0.00047.

Submissions (3):

Ambry Genetics
Classification: Uncertain significance for Inborn genetic diseases. Last evaluated: 2024-08-01. Review status: criteria provided, single submitter. Criteria: Ambry Variant Classification Scheme 2023. Collection method: clinical testing. Allele origin: germline.

Neuberg Centre For Genomic Medicine, NCGM
Classification: Uncertain significance for Dyskinesia with orofacial involvement, autosomal dominant. Last evaluated: 2023-03-01. Review status: criteria provided, single submitter. Criteria: ACMG Guidelines, 2015. Collection method: clinical testing. Allele origin: germline. Inheritance: Autosomal dominant inheritance. Affected: yes.

Labcorp Genetics (formerly Invitae), Labcorp
Classification: Uncertain significance. Last evaluated: 2021-04-28. Review status: criteria provided, single submitter. Criteria: Invitae Variant Classification Sherloc (09022015). Collection method: clinical testing. Allele origin: germline.
Comment: The frequency data for this variant in the population databases is considered unreliable, as metrics indicate poor data quality at this position in the ExAC database. This sequence change replaces alanine with valine at codon 141 of the ADCY5 protein (p.Ala141Val). The alanine residue is moderately conserved and there is a small physicochemical difference between alanine and valine. This variant has not been reported in the literature in individuals with ADCY5-related conditions. In summary, the available evidence is currently insufficient to determine the role of this variant in disease. Therefore, it has been classified as a Variant of Uncertain Significance. Advanced modeling of protein sequence and biophysical properties (such as structural, functional, and spatial information, amino acid conservation, physicochemical variation, residue mobility, and thermodynamic stability) performed at Invitae indicates that this missense variant is not expected to disrupt ADCY5 protein function.

NM_183357.3(ADCY5):c.422C>T (p.Ala141Val)

Gene: ADCY5 (adenylate cyclase 5; minus strand). Cytogenetic location: 3q21.1.
Variant type: single nucleotide variant.
Coding change: c.422C>T on transcript NM_183357.3 (MANE Select); coding-DNA position 422, C replaced by T.
Protein change: p.Ala141Val; replaces alanine 141 with valine.
Molecular consequence: missense variant.
Genome position (GRCh38, 1-based): chr3:123,448,124, G>A on the plus strand (C>T on the coding strand, the complement: ADCY5 is on the minus strand). VCF-style: chr3-123448124-G-A. GRCh37 (hg19) VCF-style: chr3-123166971-G-A.
Other names: c.422C>T, p.Ala141Val (NM_001378259.1); c.422C>T (NM_183357.2); short protein forms A141V.
Identifiers: ClinVar variation 1489655 (VCV001489655.9), dbSNP rs773320386, ClinGen allele CA2577690.